The following is an entry in ClinVar:

NM_001447.3(FAT2):c.4542C>T (p.Leu1514=)

Genes: FAT2 (FAT atypical cadherin 2; minus strand), SLC36A1 (solute carrier family 36 member 1; plus strand). Cytogenetic location: 5q33.1.
Variant type: single nucleotide variant.
Coding change: c.4542C>T on transcript NM_001447.3 (MANE Select); coding-DNA position 4542, C replaced by T.
Protein change: p.Leu1514=; no amino-acid change (leucine 1514 retained).
Molecular consequence: synonymous variant.
Genome position (GRCh38, 1-based): chr5:151,550,626, G>A on the plus strand (C>T on the coding strand, the complement: FAT2 is on the minus strand). VCF-style: chr5-151550626-G-A. GRCh37 (hg19) VCF-style: chr5-150930187-G-A.
Identifiers: ClinVar variation 4873763 (VCV004873763.2).

ClinVar aggregate classification (germline): Likely benign (1 of 4 stars; one submission).

gnomAD v4.1: 20 of 1,614,130 alleles (0.0012%); highest among the groups gnomAD compares: African/African-American, 0.013%; no homozygotes.

Submission:

CeGaT Center for Human Genetics Tuebingen
Classification: Likely benign. Last evaluated: 2026-05-01. Review status: criteria provided, single submitter. Criteria: CeGaT Center For Human Genetics Tuebingen Variant Classification Criteria Version 2. Collection method: clinical testing. Allele origin: germline. Affected: yes. Observed: 1 variant allele.
Comment: FAT2: BP4, BP7